The following is an entry in ClinVar:

NM_001048174.2(MUTYH):c.826A>T (p.Ser276Cys)

Gene: MUTYH (mutY DNA glycosylase; minus strand). Cytogenetic location: 1p34.1.
Variant type: single nucleotide variant.
Coding change: c.826A>T on transcript NM_001048174.2 (MANE Select); coding-DNA position 826, A replaced by T.
Protein change: p.Ser276Cys; replaces serine 276 with cysteine.
Molecular consequence: missense variant. On other transcripts: non-coding transcript variant (7).
Genome position (GRCh38, 1-based): chr1:45,332,189, T>A on the plus strand (A>T on the coding strand, the complement: MUTYH is on the minus strand). VCF-style: chr1-45332189-T-A. GRCh37 (hg19) VCF-style: chr1-45797861-T-A.
Other names: c.826A>T, p.Ser276Cys (NM_001048171.2, NM_001048173.2, NM_001293195.2 and 6 more transcripts); c.829A>T, p.Ser277Cys (NM_001048172.2, NM_001407071.1, NM_001407078.1 and 1 more transcripts); c.910A>T, p.Ser304Cys (NM_001128425.2); c.871A>T, p.Ser291Cys (NM_001293190.2); c.859A>T, p.Ser287Cys (NM_001293191.2, NM_001407069.1, NM_001407077.1); c.550A>T, p.Ser184Cys (NM_001293192.2, NM_001293196.2, NM_001407091.1); c.481A>T, p.Ser161Cys (NM_001350650.2, NM_001350651.2, NM_001407082.1); c.742A>T, p.Ser248Cys (NM_001407075.1); and 5 more; short protein forms S161C, S262C, S304C, S248C, S277C, S287C, S276C, S283C.
Identifiers: ClinVar variation 4113901 (VCV004113901.1).
Genomic context (GRCh38, chr1:45,332,189, plus strand): 5'-TTAGGACTTCTCACTGCCCCTTCCCCAGTAGGCTTACTCTCTGGCGTGCCCGGCACAGGC[T>A]CTCCACAGGGCACTGGCTGCACAGTGGGCGCTGTGGGGTACACACTGTGGCCCCTAGCTC-3'
Protein context (NP_001041639.1, residues 266-286): RPLCSQCPVE[Ser276Cys]LCRARQRVEQ

ClinVar aggregate classification (germline): Uncertain significance (1 of 4 stars; one submission).

Conditions:
Hereditary cancer-predisposing syndrome. Also called: Hereditary neoplastic syndrome; Neoplastic Syndromes, Hereditary; Tumor predisposition; Hereditary Cancer Syndrome. Identifiers: Orphanet 140162, MedGen C0027672, MeSH D009386, MONDO:0015356.

Submission:

Ambry Genetics
Classification: Uncertain significance for Hereditary cancer-predisposing syndrome. Last evaluated: 2025-08-27. Review status: criteria provided, single submitter. Criteria: Ambry Variant Classification Scheme 2023. Collection method: clinical testing. Allele origin: germline.
Comment: The p.S304C variant (also known as c.910A>T), located in coding exon 10 of the MUTYH gene, results from an A to T substitution at nucleotide position 910. The serine at codon 304 is replaced by cysteine, an amino acid with dissimilar properties. This amino acid position is conserved. In addition, the in silico prediction for this alteration is inconclusive. Based on the available evidence, the clinical significance of this variant remains unclear.